The following is an entry in ClinVar:

ClinVar aggregate classification (germline): Uncertain significance (1 of 4 stars; one submission).

Conditions:
Developmental and epileptic encephalopathy, 34 (DEE34). Also called: Early infantile epileptic encephalopathy 34; SLC12A5-Related Epilepsy of Infancy with Migrating Focal Seizures. Identifiers: Orphanet 293181, MedGen C4225257, MONDO:0014718, OMIM 616645.

Submission:

Labcorp Genetics (formerly Invitae), Labcorp
Classification: Uncertain significance for Developmental and epileptic encephalopathy, 34. Last evaluated: 2022-09-27. Review status: criteria provided, single submitter. Criteria: Invitae Variant Classification Sherloc (09022015). Collection method: clinical testing. Allele origin: germline.
Comment: This sequence change replaces lysine, which is basic and polar, with glutamic acid, which is acidic and polar, at codon 1010 of the SLC12A5 protein (p.Lys1010Glu). This variant is not present in population databases (gnomAD no frequency). This variant has not been reported in the literature in individuals affected with SLC12A5-related conditions. ClinVar contains an entry for this variant (Variation ID: 863852). Advanced modeling of protein sequence and biophysical properties (such as structural, functional, and spatial information, amino acid conservation, physicochemical variation, residue mobility, and thermodynamic stability) performed at Invitae indicates that this missense variant is not expected to disrupt SLC12A5 protein function. In summary, the available evidence is currently insufficient to determine the role of this variant in disease. Therefore, it has been classified as a Variant of Uncertain Significance.

NM_020708.5(SLC12A5):c.3028A>G (p.Lys1010Glu)

Gene: SLC12A5 (solute carrier family 12 member 5; plus strand). Cytogenetic location: 20q13.12.
Variant type: single nucleotide variant.
Coding change: c.3028A>G on transcript NM_020708.5 (MANE Select); coding-DNA position 3028, A replaced by G.
Protein change: p.Lys1010Glu; replaces lysine 1010 with glutamic acid.
Molecular consequence: missense variant.
Genome position (GRCh38, 1-based): chr20:46,056,482, A>G. VCF-style: chr20-46056482-A-G. GRCh37 (hg19) VCF-style: chr20-44685121-A-G.
Other names: c.3097A>G, p.Lys1033Glu (NM_001134771.2); short protein forms K1010E, K1033E.
Identifiers: ClinVar variation 863852 (VCV000863852.7), dbSNP rs2084695663, ClinGen allele CA409207892.